The following is an entry in ClinVar:

ClinVar aggregate classification (germline): Conflicting classifications of pathogenicity. Review status: criteria provided, conflicting classifications (1 of 4 stars). 3 submissions from 3 submitters: Likely pathogenic (2); Uncertain significance (1). Last evaluated 2018-11-09.

Conditions:
Complex neurodevelopmental disorder. Identifiers: Orphanet 528084, MedGen C5568766, MONDO:0100038.
Developmental and epileptic encephalopathy, 11 (DEE11). Also called: Early infantile epileptic encephalopathy 11. Identifiers: Orphanet 1934, MedGen C3150987, MONDO:0013388, OMIM 613721.
Seizures, benign familial infantile, 3 (BFIS3). Also called: CONVULSIONS, BENIGN FAMILIAL INFANTILE, 3; Familial neonatal seizures. Identifiers: Orphanet 140927, Orphanet 306, MedGen C1843140, MONDO:0011904, OMIM 607745.

Submissions (3):

Labcorp Genetics (formerly Invitae), Labcorp
Classification: Uncertain significance for Benign familial neonatal-infantile seizures; Early infantile epileptic encephalopathy 11. Last evaluated: 2018-11-09. Review status: criteria provided, single submitter. Criteria: Invitae Variant Classification Sherloc (09022015). Collection method: clinical testing. Allele origin: germline.
Comment: This sequence change replaces threonine with arginine at codon 400 of the SCN2A protein (p.Thr400Arg). The threonine residue is highly conserved and there is a moderate physicochemical difference between threonine and arginine. This variant is not present in population databases (ExAC no frequency). This variant has not been reported in the literature in individuals with SCN2A-related disease. ClinVar contains an entry for this variant (Variation ID: 373283). Algorithms developed to predict the effect of missense changes on protein structure and function are either unavailable or do not agree on the potential impact of this missense change (SIFT: "Deleterious"; PolyPhen-2: "Probably Damaging"; Align-GVGD: "Class C0"). Algorithms developed to predict the effect of sequence changes on RNA splicing suggest that this variant may create or strengthen a splice site, but this prediction has not been confirmed by published transcriptional studies. In summary, the available evidence is currently insufficient to determine the role of this variant in disease. Therefore, it has been classified as a Variant of Uncertain Significance.

Cytogénomique, Hospices Civils de Lyon
Classification: Likely pathogenic for Developmental and epileptic encephalopathy, 11. Last evaluated: 2017-05-30. Review status: criteria provided, single submitter. Criteria: ACMG Guidelines, 2015. Collection method: clinical testing. Allele origin: de novo. Inheritance: Autosomal dominant inheritance. Affected: yes.

GeneDx
Classification: Likely pathogenic. Last evaluated: 2016-12-09. Review status: criteria provided, single submitter. Criteria: GeneDx Variant Classification (06012015). Collection method: clinical testing. Allele origin: germline. Affected: yes.
Comment: The T400R variant has not been published as a pathogenic variant, nor has it been reported as a benign variant to our knowledge. It was not observed in approximately 6,500 individuals of European and African American ancestry in the NHLBI Exome Sequencing Project, indicating it is not a common benign variant in these populations. The T400R variant is a semi-conservative amino acid substitution, which may impact secondary protein structure as these residues differ in some properties. This substitution occurs at a conserved position in mammals that is predicted to be within the pore forming loop between the S5 and S6 transmembrane segments of the first homologous domain. In silico analysis predicts this variant is probably damaging to the protein structure/function. However, missense variants in nearby residues have not been reported in Human Gene Mutation Database in association with SCN2A-related disorders (Stenson et al., 2014). Therefore, based on the currently available information, it is unclear whether this variant is a pathogenic variant or a rare benign variant.

NM_001040142.2(SCN2A):c.1199C>G (p.Thr400Arg)

Gene: SCN2A (sodium voltage-gated channel alpha subunit 2; plus strand). Cytogenetic location: 2q24.3.
Variant type: single nucleotide variant.
Coding change: c.1199C>G on transcript NM_001040142.2 (MANE Select); coding-DNA position 1199, C replaced by G.
Protein change: p.Thr400Arg; replaces threonine 400 with arginine.
Molecular consequence: missense variant.
Genome position (GRCh38, 1-based): chr2:165,313,924, C>G. VCF-style: chr2-165313924-C-G. GRCh37 (hg19) VCF-style: chr2-166170434-C-G.
Other names: c.1199C>G, p.Thr400Arg (NM_001040143.2, NM_001371246.1, NM_001371247.1 and 1 more transcripts); short protein forms T400R.
Identifiers: ClinVar variation 373283 (VCV000373283.5), dbSNP rs776206684, ClinGen allele CA16042344.